The following is an entry in ClinVar:

NM_000329.3(RPE65):c.623_631delinsCTCACTGCAAACT (p.Lys208fs)

Gene: RPE65 (retinoid isomerohydrolase RPE65; minus strand). Cytogenetic location: 1p31.3.
Variant type: Indel.
Coding change: c.623_631delinsCTCACTGCAAACT on transcript NM_000329.3 (MANE Select); coding-DNA positions 623 to 631, AGATCCCAC replaced by CTCACTGCAAACT.
Protein change: p.Lys208fs; shifts the reading frame from lysine 208.
Molecular consequence: frameshift variant.
Genome position (GRCh38, 1-based): chr1:68,440,865-68,440,873, GTGGGATCT replaced by AGTTTGCAGTGAG on the plus strand (AGATCCCAC replaced by CTCACTGCAAACT on the coding strand, the reverse complement: RPE65 is on the minus strand). VCF-style: chr1-68440865-GTGGGATCT-AGTTTGCAGTGAG. GRCh37 (hg19) VCF-style: chr1-68906548-GTGGGATCT-AGTTTGCAGTGAG.
Other names: c.515_523delinsCTCACTGCAAACT, p.Lys172fs (NM_001406853.1); c.347_355delinsCTCACTGCAAACT, p.Lys116fs (NM_001406856.1, NM_001406857.1); c.623_631delinsCTCACTGCAAACT, p.Lys208fs (NM_001406859.1); short protein forms K116fs, K172fs, K208fs.
Identifiers: ClinVar variation 5013920 (VCV005013920.1).

ClinVar aggregate classification (germline): Pathogenic (1 of 4 stars; one submission).

Conditions:
RPE65-related recessive retinopathy. Also called: Recessive RPE65 retinopathy. Identifiers: MedGen CN305526, MONDO:0100368.

Submission:

Myriad Genetics, Inc.
Classification: Pathogenic for RPE65-related recessive retinopathy. Last evaluated: 2025-01-03. Review status: criteria provided, single submitter. Criteria: Myriad Autosomal Dominant, Autosomal Recessive and X-Linked Classification Criteria (2023). Collection method: clinical testing. Allele origin: unknown.
Comment: NM_000329.2(RPE65):c.623_631del9ins13(K208Tfs*27) is expected to be pathogenic in the context of inherited retinal dystrophy, RPE65-related. This variant is predicted to lead to an abnormal or absent protein product due to the creation of a premature termination codon in RPE65, a gene where loss-of-function variants are known to be pathogenic. Please note: this variant was assessed in the context of healthy population screening.